The following is an entry in ClinVar:

ClinVar aggregate classification (germline): Uncertain significance (1 of 4 stars; one submission).

Conditions:
Progressive familial heart block type IB (PFHB1B). Identifiers: Orphanet 871, MedGen C1970298, MONDO:0011474, OMIM 604559.

Allele frequency attached by ClinVar (database versions not stated): gnomAD exomes below 0.00001; TOPMed 0.00001.
gnomAD v4.1: 1 of 1,613,944 alleles (0.000062%); highest among the groups gnomAD compares: South Asian, 0.0011%; no homozygotes.

Submission:

Labcorp Genetics (formerly Invitae), Labcorp
Classification: Uncertain significance for Progressive familial heart block type IB. Last evaluated: 2022-08-22. Review status: criteria provided, single submitter. Criteria: Invitae Variant Classification Sherloc (09022015). Collection method: clinical testing. Allele origin: germline.
Comment: This variant is not present in population databases (gnomAD no frequency). This variant has not been reported in the literature in individuals affected with TRPM4-related conditions. Algorithms developed to predict the effect of missense changes on protein structure and function (SIFT, PolyPhen-2, Align-GVGD) all suggest that this variant is likely to be tolerated. In summary, the available evidence is currently insufficient to determine the role of this variant in disease. Therefore, it has been classified as a Variant of Uncertain Significance. This sequence change replaces methionine, which is neutral and non-polar, with valine, which is neutral and non-polar, at codon 983 of the TRPM4 protein (p.Met983Val).

NM_017636.4(TRPM4):c.2947A>G (p.Met983Val)

Gene: TRPM4 (transient receptor potential cation channel subfamily M member 4; plus strand). Cytogenetic location: 19q13.33.
Variant type: single nucleotide variant.
Coding change: c.2947A>G on transcript NM_017636.4 (MANE Select); coding-DNA position 2947, A replaced by G.
Protein change: p.Met983Val; replaces methionine 983 with valine.
Molecular consequence: missense variant.
Genome position (GRCh38, 1-based): chr19:49,200,779, A>G. VCF-style: chr19-49200779-A-G. GRCh37 (hg19) VCF-style: chr19-49704036-A-G.
Other names: c.2512A>G, p.Met838Val (NM_001195227.2); c.2602A>G, p.Met868Val (NM_001321281.2); c.1339A>G, p.Met447Val (NM_001321282.2); c.2425A>G, p.Met809Val (NM_001321283.2); c.1885A>G, p.Met629Val (NM_001321285.2); short protein forms M838V, M868V, M629V, M983V, M447V, M809V.
Identifiers: ClinVar variation 2020767 (VCV002020767.4), dbSNP rs1968899326, ClinGen allele CA406812304.